The following is an entry in ClinVar:

NM_032638.5(GATA2):c.839C>T (p.Pro280Leu)

Gene: GATA2 (GATA binding protein 2; minus strand). Cytogenetic location: 3q21.3.
Variant type: single nucleotide variant.
Coding change: c.839C>T on transcript NM_032638.5 (MANE Select); coding-DNA position 839, C replaced by T.
Protein change: p.Pro280Leu; replaces proline 280 with leucine.
Molecular consequence: missense variant.
Genome position (GRCh38, 1-based): chr3:128,485,759, G>A on the plus strand (C>T on the coding strand, the complement: GATA2 is on the minus strand). VCF-style: chr3-128485759-G-A. GRCh37 (hg19) VCF-style: chr3-128204602-G-A.
Other names: c.839C>T, p.Pro280Leu (NM_001145661.2, NM_001145662.1); short protein forms P280L.
Identifiers: ClinVar variation 2948195 (VCV002948195.4), dbSNP rs2472929793, ClinGen allele CA354405157.
Genomic context (GRCh38, chr3:128,485,759, plus strand): 5'-CCACGAAGTCCCCAGCACCTGCCTTTACCTGAACAGGAACGAGCCTTGCTGCGCTGCTTA[G>A]GGGTGAAGCTGGAGGCCGGTCCCCCCAGGAAGCCTCCGGGGTGGAAGAGTCCGCTGCTGT-3'
Protein context (NP_116027.2, residues 270-290): FLGGPASSFT[Pro280Leu]KQRSKARSCS

ClinVar aggregate classification (germline): Uncertain significance. Review status: criteria provided, multiple submitters, no conflicts (2 of 4 stars). 2 submissions from 2 submitters: Uncertain significance (2). Last evaluated 2025-12-16.

Conditions:
Inborn genetic diseases. Identifiers: MedGen C0950123, MeSH D030342.
Monocytopenia with susceptibility to infections. Also called: GATA2 DEFICIENCY; MONOCYTOPENIA AND MYCOBACTERIAL INFECTION SYNDROME; MONOCYTOPENIA WITH SUSCEPTIBILITY TO MYCOBACTERIAL, FUNGAL, AND PAPILLOMAVIRUS INFECTIONS AND MYELODYSPLASIA; COMBINED IMMUNODEFICIENCY WITH SUSCEPTIBILITY TO MYCOBACTERIAL, VIRAL, AND FUNGAL INFECTIONS; Dendritic cell, monocyte, B lymphocyte, and natural killer lymphocyte deficiency; IMMUNODEFICIENCY 21. Identifiers: Orphanet 228423, MedGen C3280030, MONDO:0013607, OMIM 614172.
Deafness-lymphedema-leukemia syndrome. Also called: Lymphedema, primary, with myelodysplasia; Emberger syndrome. Identifiers: Orphanet 3226, MedGen C3279664, MONDO:0013540, OMIM 614038.

Submissions (2):

Ambry Genetics
Classification: Uncertain significance for Inborn genetic diseases. Last evaluated: 2025-12-16. Review status: criteria provided, single submitter. Criteria: Ambry Variant Classification Scheme 2023. Collection method: clinical testing. Allele origin: germline.
Comment: The p.P280L variant (also known as c.839C>T), located in coding exon 2 of the GATA2 gene, results from a C to T substitution at nucleotide position 839. The proline at codon 280 is replaced by leucine, an amino acid with similar properties. This amino acid position is conserved. In addition, the in silico prediction for this alteration is inconclusive. Based on the available evidence, the clinical significance of this variant remains unclear.

Labcorp Genetics (formerly Invitae), Labcorp
Classification: Uncertain significance for Monocytopenia with susceptibility to infections; Deafness-lymphedema-leukemia syndrome. Last evaluated: 2023-05-24. Review status: criteria provided, single submitter. Criteria: Invitae Variant Classification Sherloc (09022015). Collection method: clinical testing. Allele origin: germline.
Comment: This variant has not been reported in the literature in individuals affected with GATA2-related conditions. This variant is not present in population databases (gnomAD no frequency). This sequence change replaces proline, which is neutral and non-polar, with leucine, which is neutral and non-polar, at codon 280 of the GATA2 protein (p.Pro280Leu). Advanced modeling of protein sequence and biophysical properties (such as structural, functional, and spatial information, amino acid conservation, physicochemical variation, residue mobility, and thermodynamic stability) has been performed at Invitae for this missense variant, however the output from this modeling did not meet the statistical confidence thresholds required to predict the impact of this variant on GATA2 protein function. In summary, the available evidence is currently insufficient to determine the role of this variant in disease. Therefore, it has been classified as a Variant of Uncertain Significance.